The following is an entry in ClinVar:

ClinVar aggregate classification (germline): Uncertain significance (1 of 4 stars; one submission).

Conditions:
Andersen Tawil syndrome (LQT7). Also called: ANDERSEN CARDIODYSRHYTHMIC PERIODIC PARALYSIS; LONG QT SYNDROME 7; PERIODIC PARALYSIS, POTASSIUM-SENSITIVE CARDIODYSRHYTHMIC TYPE; Andersen Syndrome; Potassium-sensitive periodic paralysis, ventricular ectopy, and dysmorphic features. Identifiers: Orphanet 37553, MedGen C1563715, MONDO:0008222, OMIM 170390.
Short QT syndrome type 3. Identifiers: Orphanet 51083, MedGen C1865018, MONDO:0012314, OMIM 609622.

Allele frequency attached by ClinVar (database versions not stated): gnomAD exomes below 0.00001.
gnomAD v4.1: 1 of 1,614,194 alleles (0.000062%); highest among the groups gnomAD compares: Non-Finnish European, 0.000085%; no homozygotes.

Submission:

Labcorp Genetics (formerly Invitae), Labcorp
Classification: Uncertain significance for Short QT syndrome type 3; Andersen Tawil syndrome. Last evaluated: 2023-08-20. Review status: criteria provided, single submitter. Criteria: Invitae Variant Classification Sherloc (09022015). Collection method: clinical testing. Allele origin: germline.
Comment: In summary, the available evidence is currently insufficient to determine the role of this variant in disease. Therefore, it has been classified as a Variant of Uncertain Significance. Advanced modeling of protein sequence and biophysical properties (such as structural, functional, and spatial information, amino acid conservation, physicochemical variation, residue mobility, and thermodynamic stability) performed at Invitae indicates that this missense variant is not expected to disrupt KCNJ2 protein function. This variant has not been reported in the literature in individuals affected with KCNJ2-related conditions. This variant is not present in population databases (gnomAD no frequency). This sequence change replaces isoleucine, which is neutral and non-polar, with leucine, which is neutral and non-polar, at codon 236 of the KCNJ2 protein (p.Ile236Leu).

NM_000891.3(KCNJ2):c.706A>C (p.Ile236Leu)

Gene: KCNJ2 (potassium inwardly rectifying channel subfamily J member 2; plus strand). Cytogenetic location: 17q24.3.
Variant type: single nucleotide variant.
Coding change: c.706A>C on transcript NM_000891.3 (MANE Select); coding-DNA position 706, A replaced by C.
Protein change: p.Ile236Leu; replaces isoleucine 236 with leucine.
Molecular consequence: missense variant.
Genome position (GRCh38, 1-based): chr17:70,175,745, A>C. VCF-style: chr17-70175745-A-C. GRCh37 (hg19) VCF-style: chr17-68171886-A-C.
Other names: short protein forms I236L.
Identifiers: ClinVar variation 2951145 (VCV002951145.3), dbSNP rs2509921353, ClinGen allele CA400861723.